The following is an entry in ClinVar:

ClinVar aggregate classification (germline): Uncertain significance (1 of 4 stars; one submission).

Conditions:
Dilated cardiomyopathy 1AA (CMD1AA). Also called: Cardiomyopathy, dilated, 1AA, with or without LVNC; CARDIOMYOPATHY, DILATED, 1AA, WITH OR WITHOUT LEFT VENTRICULAR NONCOMPACTION; CARDIOMYOPATHY, FAMILIAL HYPERTROPHIC, 23, WITH OR WITHOUT LEFT VENTRICULAR NONCOMPACTION. Identifiers: Orphanet 154, MedGen C2677338, MONDO:0012808, OMIM 612158.
Primary familial hypertrophic cardiomyopathy (HCM). Identifiers: Orphanet 99739, MedGen C0949658, MeSH D024741, MONDO:0024573. Inheritance: Various modes of inheritance.

Submission:

Labcorp Genetics (formerly Invitae), Labcorp
Classification: Uncertain significance for Primary familial hypertrophic cardiomyopathy; Dilated cardiomyopathy 1AA. Last evaluated: 2025-08-17. Review status: criteria provided, single submitter. Criteria: Invitae Variant Classification Sherloc (09022015). Collection method: clinical testing. Allele origin: germline.
Comment: This variant, c.2057_2059del, results in the deletion of 1 amino acid(s) of the ACTN2 protein (p.Ile686del), but otherwise preserves the integrity of the reading frame. This variant is present in population databases (rs749678360, gnomAD 0.003%). This variant has not been reported in the literature in individuals affected with ACTN2-related conditions. Experimental studies and prediction algorithms are not available or were not evaluated, and the functional significance of this variant is currently unknown. In summary, the available evidence is currently insufficient to determine the role of this variant in disease. Therefore, it has been classified as a Variant of Uncertain Significance.

NM_001103.4(ACTN2):c.2054TCA[1] (p.Ile686del)

Gene: ACTN2 (actinin alpha 2; plus strand). Cytogenetic location: 1q43.
Variant type: Microsatellite.
Coding change: c.2054TCA[1] on transcript NM_001103.4 (MANE Select); one copy of the 3-base unit TCA starting at c.2054; the reference has two copies in a row; one copy, 3 bases deleted.
Protein change: p.Ile686del; deletes isoleucine 686.
Molecular consequence: inframe deletion.
Genome position (GRCh38, 1-based): chr1:236,755,101-236,755,103, TCA deleted; deleting any 3 consecutive bases within chr1:236,755,096-236,755,103 gives the same sequence; the position shown is the placement nearest the transcript's 3' end. VCF-style (leftmost placement, unchanged base first): chr1-236755095-ACAT-A. GRCh37 (hg19) VCF-style: chr1-236918395-ACAT-A.
Other names: c.2054TCA[1], p.Ile686del (NM_001278343.2); c.1430TCA[1], p.Ile478del (NM_001278344.2); short protein forms I478del, I686del.
Identifiers: ClinVar variation 1428050 (VCV001428050.4), dbSNP rs749678360, ClinGen allele CA1473333.